The following is an entry in ClinVar:

ClinVar aggregate classification (germline): Likely pathogenic (1 of 4 stars; one submission).

Submission:

Labcorp Genetics (formerly Invitae), Labcorp
Classification: Likely pathogenic. Last evaluated: 2024-05-20. Review status: criteria provided, single submitter. Criteria: Invitae Variant Classification Sherloc (09022015). Collection method: clinical testing. Allele origin: germline.
Comment: This sequence change affects an acceptor splice site in intron 26 of the PNPT1 gene. It is expected to disrupt RNA splicing. Variants that disrupt the donor or acceptor splice site typically lead to a loss of protein function (PMID: 16199547), and loss-of-function variants in PNPT1 are known to be pathogenic (PMID: 28594066, 30244537). This variant is not present in population databases (gnomAD no frequency). This variant has not been reported in the literature in individuals affected with PNPT1-related conditions. Algorithms developed to predict the effect of sequence changes on RNA splicing suggest that this variant may disrupt the consensus splice site. In summary, the currently available evidence indicates that the variant is pathogenic, but additional data are needed to prove that conclusively. Therefore, this variant has been classified as Likely Pathogenic.

Literature cited by the submitters: PubMed 16199547; PubMed 28594066; PubMed 30244537.

NM_033109.5(PNPT1):c.2149-2A>G

Gene: PNPT1 (polyribonucleotide nucleotidyltransferase 1; minus strand). Cytogenetic location: 2p16.1.
Variant type: single nucleotide variant.
Coding change: c.2149-2A>G on transcript NM_033109.5 (MANE Select); the canonical splice acceptor site of the intron before coding-DNA position 2149, A replaced by G.
Molecular consequence: splice acceptor variant.
Genome position (GRCh38, 1-based): chr2:55,637,601, T>C on the plus strand (A>G on the coding strand, the complement: PNPT1 is on the minus strand). VCF-style: chr2-55637601-T-C. GRCh37 (hg19) VCF-style: chr2-55864736-T-C.
Identifiers: ClinVar variation 3653913 (VCV003653913.2).